The following is an entry in ClinVar:

NM_000548.5(TSC2):c.5383C>G (p.Arg1795Gly)

Gene: TSC2 (TSC complex subunit 2; plus strand). Cytogenetic location: 16p13.3.
Variant type: single nucleotide variant.
Coding change: c.5383C>G on transcript NM_000548.5 (MANE Select); coding-DNA position 5383, C replaced by G.
Protein change: p.Arg1795Gly; replaces arginine 1795 with glycine.
Molecular consequence: missense variant.
Genome position (GRCh38, 1-based): chr16:2,088,569, C>G. VCF-style: chr16-2088569-C-G. GRCh37 (hg19) VCF-style: chr16-2138570-C-G.
Other names: c.5185C>G, p.Arg1729Gly (NM_001363528.2); c.5251C>G, p.Arg1751Gly (NM_001370404.1); c.5242C>G, p.Arg1748Gly (NM_001370405.1); c.5254C>G, p.Arg1752Gly (NM_021055.3); c.5182C>G, p.Arg1728Gly (NM_001077183.3); c.5314C>G, p.Arg1772Gly (NM_001114382.3); c.5074C>G, p.Arg1692Gly (NM_001318827.2); c.5038C>G, p.Arg1680Gly (NM_001318829.2); and 2 more; short protein forms R1748G, R1751G, R1772G, R1551G, R1680G, R1728G, R1729G, R1692G.
Identifiers: ClinVar variation 663278 (VCV000663278.9), dbSNP rs45517423, ClinGen allele CA394316016.

ClinVar aggregate classification (germline): Uncertain significance. Review status: criteria provided, multiple submitters, no conflicts (2 of 4 stars). 2 submissions from 2 submitters: Uncertain significance (2). Last evaluated 2023-12-18.

Conditions:
Tuberous sclerosis syndrome (TSC). Also called: Tuberous Sclerosis Complex; Tuberous sclerosis. Identifiers: Orphanet 805, MedGen C0041341, MONDO:0001734.
Tuberous sclerosis 2 (TSC2). Identifiers: Orphanet 805, MedGen C1860707, MONDO:0013199, OMIM 613254.

gnomAD v4.1: 1 of 1,609,942 alleles (0.000062%); highest among the groups gnomAD compares: Non-Finnish European, 0.000085%; no homozygotes.

Submissions (2):

All of Us Research Program, National Institutes of Health
Classification: Uncertain significance for Tuberous sclerosis syndrome. Last evaluated: 2023-12-18. Review status: criteria provided, single submitter. Criteria: ACMG Guidelines, 2015. Collection method: clinical testing. Allele origin: germline. Inheritance: Autosomal dominant inheritance. Observed: 1 variant allele, 1 heterozygote.
Comment: This missense variant replaces arginine with glycine at codon 1795 of the TSC2 protein. Computational prediction suggests that this variant may have deleterious impact on protein structure and function (internally defined REVEL score threshold >= 0.7, PMID: 27666373). To our knowledge, functional studies have not been reported for this variant. This variant has not been reported in individuals affected with TSC2-related disorders in the literature. This variant has not been identified in the general population by the Genome Aggregation Database (gnomAD). The available evidence is insufficient to determine the role of this variant in disease conclusively. Therefore, this variant is classified as a Variant of Uncertain Significance.

This study involves interpretation of variants in research participants for the purpose of population health screening. Participant phenotype was not available at the time of variant classification. Additional details can be found in publication PMID: 35346344, PMCID: PMC8962531

Labcorp Genetics (formerly Invitae), Labcorp
Classification: Uncertain significance for Tuberous sclerosis 2. Last evaluated: 2021-02-12. Review status: criteria provided, single submitter. Criteria: Invitae Variant Classification Sherloc (09022015). Collection method: clinical testing. Allele origin: germline.
Comment: In summary, the available evidence is currently insufficient to determine the role of this variant in disease. Therefore, it has been classified as a Variant of Uncertain Significance. Algorithms developed to predict the effect of missense changes on protein structure and function are either unavailable or do not agree on the potential impact of this missense change (SIFT: "Deleterious"; PolyPhen-2: "Probably Damaging"; Align-GVGD: "Class C0"). This variant has not been reported in the literature in individuals with TSC2-related conditions. This variant is not present in population databases (ExAC no frequency). This sequence change replaces arginine with glycine at codon 1795 of the TSC2 protein (p.Arg1795Gly). The arginine residue is highly conserved and there is a moderate physicochemical difference between arginine and glycine.